The following is an entry in ClinVar:

ClinVar aggregate classification (germline): Uncertain significance (1 of 4 stars; one submission).

Submission:

Women's Health and Genetics/Laboratory Corporation of America, LabCorp
Classification: Uncertain significance. Last evaluated: 2025-11-13. Review status: criteria provided, single submitter. Criteria: LabCorp Variant Classification Summary - May 2015. Collection method: clinical testing. Allele origin: germline.
Comment: Variant summary: TRPM7 c.82A>C (p.Arg28Arg) alters a conserved nucleotide located close to a canonical splice site and therefore could affect mRNA splicing, leading to a significantly altered protein sequence. Consensus agreement among computation tools predict no significant impact on normal splicing. However, these predictions have yet to be confirmed by functional studies. The variant was absent in 247718 control chromosomes. The available data on variant occurrences in the general population are insufficient to allow any conclusion about variant significance. To our knowledge, no occurrence of c.82A>C in individuals affected with TRPM7-related conditions and no experimental evidence demonstrating its impact on protein function have been reported. No submitters have cited clinical-significance assessments for this variant to ClinVar. Based on the evidence outlined above, the variant was classified as uncertain significance.

NM_017672.6(TRPM7):c.82A>C (p.Arg28=)

Genes: TRPM7 (transient receptor potential cation channel subfamily M member 7; minus strand), LOC128092252 (uncharacterized LOC128092252; minus strand). Cytogenetic location: 15q21.2.
Variant type: single nucleotide variant.
Coding change: c.82A>C on transcript NM_017672.6 (MANE Select); coding-DNA position 82, A replaced by C.
Protein change: p.Arg28=; no amino-acid change (arginine 28 retained).
Molecular consequence: synonymous variant. On other transcripts: missense variant (1), non-coding transcript variant (3).
Genome position (GRCh38, 1-based): chr15:50,662,968, T>G on the plus strand (A>C on the coding strand, the complement: TRPM7 is on the minus strand). VCF-style: chr15-50662968-T-G. GRCh37 (hg19) VCF-style: chr15-50955165-T-G.
Other names: c.266A>C, p.Gln89Pro (NM_001414947.1); c.82A>C, p.Arg28= (NM_001301212.2); short protein forms Q89P.
Identifiers: ClinVar variation 4536737 (VCV004536737.1).